The following is an entry in ClinVar:

ClinVar aggregate classification (germline): Benign. Review status: criteria provided, multiple submitters, no conflicts (2 of 4 stars). 4 submissions from 4 submitters: Benign (4). Last evaluated 2024-07-15.

Conditions:
Pierson syndrome. Also called: MICROCORIA-CONGENITAL NEPHROTIC SYNDROME. Identifiers: Orphanet 2670, MedGen C1836876, MONDO:0012184, OMIM 609049.

Allele frequency attached by ClinVar (database versions not stated): gnomAD exomes 0.79855 and 0.83870; ESP Exome Variant Server 0.80417; gnomAD 0.81883 and 0.82512; TOPMed 0.82795; ExAC 0.83493; 1000 Genomes Project 30x 0.90006; 1000 Genomes Project 0.90335.
gnomAD v4.1: 1,293,773 of 1,614,066 alleles (80%); highest among the groups gnomAD compares: East Asian, 100%; 521,720 homozygotes.

Submissions (4):

Unidad de Genómica Garrahan, Hospital de Pediatría Garrahan
Classification: Benign. Last evaluated: 2024-07-15. Review status: criteria provided, single submitter. Criteria: ACMG Guidelines, 2015. Collection method: clinical testing. Allele origin: germline. Affected: no. Observed: 91 variant alleles.
Comment: This variant is classified as Benign based on local population frequency. This variant was detected in 98% of patients studied in a panel designed for Epileptic and Developmental Encephalopathy and Progressive Myoclonus Epilepsy. Number of patients: 91. Only high quality variants are reported.

Genome-Nilou Lab
Classification: Benign for Pierson syndrome. Last evaluated: 2021-08-19. Review status: criteria provided, single submitter. Criteria: ACMG Guidelines, 2015. Collection method: clinical testing. Allele origin: germline. Affected: no.

GeneDx
Classification: Benign. Last evaluated: 2018-11-12. Review status: criteria provided, single submitter. Criteria: GeneDx Variant Classification Process June 2021. Collection method: clinical testing. Allele origin: germline. Affected: yes.

Breakthrough Genomics
Classification: Benign. Review status: criteria provided, single submitter. Criteria: ACMG Guidelines, 2015. Collection method: not provided. Allele origin: germline. Inheritance: Autosomal recessive inheritance. Affected: yes.

NM_002292.4(LAMB2):c.1890+25G>A

Gene: LAMB2 (laminin subunit beta 2; minus strand). Cytogenetic location: 3p21.31.
Variant type: single nucleotide variant.
Coding change: c.1890+25G>A on transcript NM_002292.4 (MANE Select); 25 bases into the intron after coding-DNA position 1890, G replaced by A.
Molecular consequence: intron variant.
Genome position (GRCh38, 1-based): chr3:49,128,636, C>T on the plus strand (G>A on the coding strand, the complement: LAMB2 is on the minus strand). VCF-style: chr3-49128636-C-T. GRCh37 (hg19) VCF-style: chr3-49166069-C-T.
Identifiers: ClinVar variation 1248793 (VCV001248793.7), dbSNP rs9865051, ClinGen allele CA2394468.